The following is an entry in ClinVar:

NM_178452.6(DNAAF1):c.619C>G (p.Leu207Val)

Gene: DNAAF1 (dynein axonemal assembly factor 1; plus strand). Cytogenetic location: 16q24.1.
Variant type: single nucleotide variant.
Coding change: c.619C>G on transcript NM_178452.6 (MANE Select); coding-DNA position 619, C replaced by G.
Protein change: p.Leu207Val; replaces leucine 207 with valine.
Molecular consequence: missense variant.
Genome position (GRCh38, 1-based): chr16:84,155,627, C>G. VCF-style: chr16-84155627-C-G. GRCh37 (hg19) VCF-style: chr16-84189232-C-G.
Other names: short protein forms L207V.
Identifiers: ClinVar variation 242165 (VCV000242165.14), dbSNP rs139743343, ClinGen allele CA8202551.

ClinVar aggregate classification (germline): Uncertain significance. Review status: criteria provided, multiple submitters, no conflicts (2 of 4 stars). 3 submissions from 3 submitters: Uncertain significance (3). Last evaluated 2024-09-09.

Conditions:
Primary ciliary dyskinesia. Also called: Ciliary dyskinesia. Identifiers: Orphanet 244, MedGen C0008780, MONDO:0016575, HP:0012265.
Primary ciliary dyskinesia 13. Also called: CILIARY DYSKINESIA, PRIMARY, 13, WITH OR WITHOUT SITUS INVERSUS. Identifiers: Orphanet 244, MedGen C2750790, MONDO:0013174, OMIM 613193.

Allele frequency attached by ClinVar (database versions not stated): ExAC 0.00019; 1000 Genomes Project 0.00020; gnomAD exomes 0.00021 and 0.00048; gnomAD 0.00026 and 0.00027; 1000 Genomes Project 30x 0.00031; ESP Exome Variant Server 0.00031; TOPMed 0.00034.
gnomAD v4.1: 728 of 1,614,200 alleles (0.045%); highest among the groups gnomAD compares: Non-Finnish European, 0.06%; 1 homozygote.

Submissions (3):

Ambry Genetics
Classification: Uncertain significance for Primary ciliary dyskinesia. Last evaluated: 2024-09-09. Review status: criteria provided, single submitter. Criteria: Ambry Variant Classification Scheme 2023. Collection method: clinical testing. Allele origin: germline.

Fulgent Genetics
Classification: Uncertain significance for Primary ciliary dyskinesia 13. Last evaluated: 2022-02-24. Review status: criteria provided, single submitter. Criteria: ACMG Guidelines, 2015. Collection method: clinical testing. Allele origin: unknown.

Labcorp Genetics (formerly Invitae), Labcorp
Classification: Uncertain significance for Primary ciliary dyskinesia. Last evaluated: 2021-08-26. Review status: criteria provided, single submitter. Criteria: Invitae Variant Classification Sherloc (09022015). Collection method: clinical testing. Allele origin: germline.
Comment: This sequence change replaces leucine with valine at codon 207 of the DNAAF1 protein (p.Leu207Val). The leucine residue is highly conserved and there is a small physicochemical difference between leucine and valine. This variant has not been reported in the literature in individuals affected with DNAAF1-related conditions. ClinVar contains an entry for this variant (Variation ID: 242165). Algorithms developed to predict the effect of missense changes on protein structure and function (SIFT, PolyPhen-2, Align-GVGD) all suggest that this variant is likely to be disruptive. In summary, the available evidence is currently insufficient to determine the role of this variant in disease. Therefore, it has been classified as a Variant of Uncertain Significance.